The following is an entry in ClinVar:

NM_000051.4(ATM):c.5209_5210del (p.Leu1737fs)

Gene: ATM (ATM serine/threonine kinase; plus strand). Cytogenetic location: 11q22.3.
Variant type: Deletion.
Coding change: c.5209_5210del on transcript NM_000051.4 (MANE Select); coding-DNA positions 5209 to 5210, 2 bases deleted (TT; older notation c.5209_5210delTT).
Protein change: p.Leu1737fs; shifts the reading frame from leucine 1737.
Molecular consequence: frameshift variant.
Genome position (GRCh38, 1-based): chr11:108,301,679-108,301,680, TT deleted; deleting any 2 consecutive bases within chr11:108,301,678-108,301,680 gives the same sequence; the c. name uses the placement nearest the transcript's 3' end. VCF-style (leftmost placement, unchanged base first): chr11-108301677-GTT-G. GRCh37 (hg19) VCF-style: chr11-108172404-GTT-G.
Other names: c.5209_5210delTT (NM_000051.3); c.5209_5210del, p.Leu1737fs (NM_001351834.2); short protein forms L1737fs.
Identifiers: ClinVar variation 524280 (VCV000524280.8), dbSNP rs1555105660, ClinGen allele CA658797745.

ClinVar aggregate classification (germline): Pathogenic/Likely pathogenic. Review status: criteria provided, multiple submitters, no conflicts (2 of 4 stars). 4 submissions from 4 submitters: Pathogenic (2); Likely pathogenic (2). Last evaluated 2025-10-17.

Conditions:
Ataxia-telangiectasia syndrome (AT). Also called: Ataxia telangiectasia (A-T); ATAXIA-TELANGIECTASIA, COMPLEMENTATION GROUP A; ATAXIA-TELANGIECTASIA, FRESNO VARIANT; Ataxia-telangiectasia; Ataxia-telangiectasia, complementation group D; AT, COMPLEMENTATION GROUP C. Identifiers: Orphanet 100, MedGen C0004135, MONDO:0008840, OMIM 208900.
ATM-related disorder. Also called: ATM-related disorders; ATM-related condition.
Hereditary cancer-predisposing syndrome. Also called: Hereditary neoplastic syndrome; Tumor predisposition; Neoplastic Syndromes, Hereditary; Hereditary Cancer Syndrome. Identifiers: Orphanet 140162, MedGen C0027672, MeSH D009386, MONDO:0015356.

Submissions (4):

Ambry Genetics
Classification: Pathogenic for Hereditary cancer-predisposing syndrome. Last evaluated: 2025-10-17. Review status: criteria provided, single submitter. Criteria: Ambry Variant Classification Scheme 2023. Collection method: clinical testing. Allele origin: germline.
Comment: The c.5209_5210delTT pathogenic mutation, located in coding exon 34 of the ATM gene, results from a deletion of two nucleotides at nucleotide positions 5209 to 5210, causing a translational frameshift with a predicted alternate stop codon (p.L1737Efs*11). This variant is considered to be rare based on population cohorts in the Genome Aggregation Database (gnomAD). This alteration is expected to result in loss of function by premature protein truncation or nonsense-mediated mRNA decay. As such, this alteration is interpreted as a disease-causing mutation.

Blueprint Genetics
Classification: Likely pathogenic for ATM-related disorders. Last evaluated: 2024-07-09. Review status: criteria provided, single submitter. Criteria: ACMG Guidelines, 2015. Collection method: clinical testing. Allele origin: germline. Affected: yes. Observed: 2 variant alleles.

Labcorp Genetics (formerly Invitae), Labcorp
Classification: Pathogenic for Ataxia-telangiectasia syndrome. Last evaluated: 2023-01-02. Review status: criteria provided, single submitter. Criteria: Invitae Variant Classification Sherloc (09022015). Collection method: clinical testing. Allele origin: germline.
Comment: This sequence change creates a premature translational stop signal (p.Leu1737Glufs*11) in the ATM gene. It is expected to result in an absent or disrupted protein product. Loss-of-function variants in ATM are known to be pathogenic (PMID: 23807571, 25614872). This variant is not present in population databases (gnomAD no frequency). This variant has not been reported in the literature in individuals affected with ATM-related conditions. ClinVar contains an entry for this variant (Variation ID: 524280). For these reasons, this variant has been classified as Pathogenic.

GeneDx
Classification: Likely pathogenic. Last evaluated: 2017-07-28. Review status: criteria provided, single submitter. Criteria: GeneDx Variant Classification (06012015). Collection method: clinical testing. Allele origin: germline. Affected: yes.
Comment: This deletion of two nucleotides in ATM is denoted c.5209_5210delTT at the cDNA level and p.Leu1737GlufsX11 (L1737EfsX11) at the protein level. The normal sequence, with the bases that are deleted in brackets, is CTGT[delTT]GAAA. The deletion causes a frameshift which changes a Leucine to a Glutamic Acid at codon 1737, and creates a premature stop codon at position 11 of the new reading frame. Although this variant has not, to our knowledge, been reported in the literature, it is predicted to cause loss of normal protein function through either protein truncation or nonsense-mediated mRNA decay. Based on the currently available information, we consider this deletion to be a likely pathogenic variant.

Literature cited by the submitters: PubMed 23807571 (cited by Labcorp Genetics (formerly Invitae), Labcorp); PubMed 25614872 (cited by Labcorp Genetics (formerly Invitae), Labcorp).